The following is an entry in ClinVar:

ClinVar aggregate classification (germline): Uncertain significance (1 of 4 stars; one submission).

Allele frequency attached by ClinVar (database versions not stated): gnomAD exomes below 0.00001 and 0.00001.
gnomAD v4.1: 14 of 1,613,818 alleles (0.00087%); highest among the groups gnomAD compares: East Asian, 0.0022%; no homozygotes.

Submission:

Labcorp Genetics (formerly Invitae), Labcorp
Classification: Uncertain significance. Last evaluated: 2021-11-13. Review status: criteria provided, single submitter. Criteria: Invitae Variant Classification Sherloc (09022015). Collection method: clinical testing. Allele origin: germline.
Comment: In summary, the available evidence is currently insufficient to determine the role of this variant in disease. Therefore, it has been classified as a Variant of Uncertain Significance. Algorithms developed to predict the effect of missense changes on protein structure and function are either unavailable or do not agree on the potential impact of this missense change (SIFT: "Not Available"; PolyPhen-2: "Probably Damaging"; Align-GVGD: "Not Available"). This variant has not been reported in the literature in individuals affected with RAB33B-related conditions. This variant is present in population databases (no rsID available, gnomAD 0.0009%). This sequence change replaces aspartic acid, which is acidic and polar, with tyrosine, which is neutral and polar, at codon 60 of the RAB33B protein (p.Asp60Tyr).

NM_031296.3(RAB33B):c.178G>T (p.Asp60Tyr)

Genes: RAB33B (RAB33B, member RAS oncogene family; plus strand), LOC129993110 (ATAC-STARR-seq lymphoblastoid active region 21925; plus strand). Cytogenetic location: 4q31.1.
Variant type: single nucleotide variant.
Coding change: c.178G>T on transcript NM_031296.3 (MANE Select); coding-DNA position 178, G replaced by T.
Protein change: p.Asp60Tyr; replaces aspartic acid 60 with tyrosine.
Molecular consequence: missense variant.
Genome position (GRCh38, 1-based): chr4:139,454,373, G>T. VCF-style: chr4-139454373-G-T. GRCh37 (hg19) VCF-style: chr4-140375527-G-T.
Other names: short protein forms D60Y.
Identifiers: ClinVar variation 1347306 (VCV001347306.6), dbSNP rs1355924118, ClinGen allele CA358271854.
Genomic context (GRCh38, chr4:139,454,373, plus strand): 5'-GGCGACTCCAATGTGGGCAAGACATGCCTGACCTACCGCTTCTGCGCTGGCCGCTTCCCC[G>T]ACCGCACCGAGGCCACGATAGGGGTGGATTTCCGAGAACGAGCGGTGGAGATTGATGGGG-3'
Protein context (NP_112586.1, residues 50-70): TYRFCAGRFP[Asp60Tyr]RTEATIGVDF